The following is an entry in ClinVar:

NM_201253.3(CRB1):c.2533_2539del (p.Gly845fs)

Gene: CRB1 (crumbs cell polarity complex component 1; plus strand). Cytogenetic location: 1q31.3.
Variant type: Deletion.
Coding change: c.2533_2539del on transcript NM_201253.3 (MANE Select); coding-DNA positions 2533 to 2539, 7 bases deleted (GGTGGAT; older notation c.2533_2539delGGTGGAT).
Protein change: p.Gly845fs; shifts the reading frame from glycine 845.
Molecular consequence: frameshift variant. On other transcripts: non-coding transcript variant (2), intron variant (1).
Genome position (GRCh38, 1-based): chr1:197,427,858-197,427,864, GGTGGAT deleted; deleting any 7 consecutive bases within chr1:197,427,856-197,427,864 gives the same sequence; the c. name uses the placement nearest the transcript's 3' end. VCF-style (leftmost placement, unchanged base first): chr1-197427855-AATGGTGG-A. GRCh37 (hg19) VCF-style: chr1-197396985-AATGGTGG-A.
Other names: c.2197_2203del, p.Gly733fs (NM_001193640.2); c.2326_2332del, p.Gly776fs (NM_001257965.2); c.2128+5902_2128+5908del (NM_001257966.2); short protein forms G733fs, G776fs, G845fs.
Identifiers: ClinVar variation 801599 (VCV000801599.38), dbSNP rs745348555, ClinGen allele CA1312132.
Genomic context (GRCh38, chr1:197,427,855, plus strand): 5'-ATCGAAAAGGGAGATGTCATCTACATTGGTGGCCTACCTGACAAGCAAGAGACTGAACTT[AATGGTGG>A]ATTCTTCAAAGGCTGTATCCAAGATGTAAGACTAAACAACCAAAATCTGGAATTCTTTCC-3'

ClinVar aggregate classification (germline): Pathogenic. Review status: criteria provided, multiple submitters, no conflicts (2 of 4 stars). 6 submissions from 5 submitters: Pathogenic (6). Last evaluated 2025-05-01.

Conditions:
Retinitis pigmentosa 12 (RP12). Also called: RP WITH OR WITHOUT PPRPE; RP WITH OR WITHOUT PRESERVED PARAARTERIOLE RETINAL PIGMENT EPITHELIUM; RETINITIS PIGMENTOSA WITH OR WITHOUT PARAARTERIOLAR PRESERVATION OF RETINAL PIGMENT EPITHELIUM. Identifiers: Orphanet 791, MedGen C1838647, MONDO:0010818, OMIM 600105.
Leber congenital amaurosis 8 (LCA8). Identifiers: Orphanet 65, MedGen C3151202, MONDO:0013453, OMIM 613835.
Leber congenital amaurosis 1 (LCA1). Also called: RETINAL BLINDNESS, CONGENITAL; Congenital absence of the rods and cones; Leber's congenital tapetoretinal degeneration; Leber's congenital tapetoretinal dysplasia; AMAUROSIS CONGENITA OF LEBER I. Identifiers: Orphanet 65, MedGen C2931258, MONDO:0008764, OMIM 204000.

Submissions (6):

CeGaT Center for Human Genetics Tuebingen
Classification: Pathogenic. Last evaluated: 2025-05-01. Review status: criteria provided, single submitter. Criteria: CeGaT Center For Human Genetics Tuebingen Variant Classification Criteria Version 2. Collection method: clinical testing. Allele origin: germline. Affected: yes. Observed: 3 variant alleles.
Comment: CRB1: PVS1, PM2

Labcorp Genetics (formerly Invitae), Labcorp
Classification: Pathogenic for Leber congenital amaurosis 8; Retinitis pigmentosa 12. Last evaluated: 2024-11-05. Review status: criteria provided, single submitter. Criteria: Invitae Variant Classification Sherloc (09022015). Collection method: clinical testing. Allele origin: germline.
Comment: This sequence change creates a premature translational stop signal (p.Gly845Serfs*9) in the CRB1 gene. It is expected to result in an absent or disrupted protein product. Loss-of-function variants in CRB1 are known to be pathogenic (PMID: 10508521, 22065545, 23379534, 25412400, 26957898, 28041643, 29391521). This variant is present in population databases (rs745348555, gnomAD 0.0009%). This premature translational stop signal has been observed in individual(s) with CRB1-related conditions (internal data). ClinVar contains an entry for this variant (Variation ID: 801599). For these reasons, this variant has been classified as Pathogenic.

Baylor Genetics
Classification: Pathogenic for Leber congenital amaurosis 8. Last evaluated: 2023-08-14. Review status: criteria provided, single submitter. Criteria: ACMG Guidelines, 2015. Collection method: clinical testing. Allele origin: unknown.

Genome-Nilou Lab
Classification: Pathogenic for Leber congenital amaurosis 8. Last evaluated: 2023-04-11. Review status: criteria provided, single submitter. Criteria: ACMG Guidelines, 2015. Collection method: clinical testing. Allele origin: germline. Affected: no.

Genome-Nilou Lab
Classification: Pathogenic for Retinitis pigmentosa 12. Last evaluated: 2023-04-11. Review status: criteria provided, single submitter. Criteria: ACMG Guidelines, 2015. Collection method: clinical testing. Allele origin: germline. Affected: no.

Mendelics
Classification: Pathogenic for Leber congenital amaurosis 1. Last evaluated: 2019-05-28. Review status: criteria provided, single submitter. Criteria: Mendelics Assertion Criteria 2017. Collection method: clinical testing. Allele origin: unknown.

Literature cited by the submitters: PubMed 10508521 (cited by Labcorp Genetics (formerly Invitae), Labcorp); PubMed 22065545 (cited by Labcorp Genetics (formerly Invitae), Labcorp); PubMed 23379534 (cited by Labcorp Genetics (formerly Invitae), Labcorp); PubMed 25412400 (cited by Labcorp Genetics (formerly Invitae), Labcorp); PubMed 26957898 (cited by Labcorp Genetics (formerly Invitae), Labcorp); PubMed 28041643 (cited by Labcorp Genetics (formerly Invitae), Labcorp); PubMed 29391521 (cited by Labcorp Genetics (formerly Invitae), Labcorp).